The following is an entry in ClinVar:

NM_000535.7(PMS2):c.1005T>C (p.Asn335=)

Gene: PMS2 (PMS1 homolog 2, mismatch repair system component; minus strand). Cytogenetic location: 7p22.1.
Variant type: single nucleotide variant.
Coding change: c.1005T>C on transcript NM_000535.7 (MANE Select); coding-DNA position 1005, T replaced by C.
Protein change: p.Asn335=; no amino-acid change (asparagine 335 retained).
Molecular consequence: synonymous variant. On other transcripts: non-coding transcript variant (1), intron variant (2).
Genome position (GRCh38, 1-based): chr7:5,989,939, A>G on the plus strand (T>C on the coding strand, the complement: PMS2 is on the minus strand). VCF-style: chr7-5989939-A-G. GRCh37 (hg19) VCF-style: chr7-6029570-A-G.
Other names: c.600T>C, p.Asn200= (NM_001322003.2, NM_001322004.2, NM_001322005.2 and 1 more transcripts); c.687T>C, p.Asn229= (NM_001322007.2, NM_001322008.2); c.72T>C, p.Asn24= (NM_001322011.2, NM_001322012.2); c.432T>C, p.Asn144= (NM_001322013.2); c.1005T>C, p.Asn335= (NM_001322014.2); c.696T>C, p.Asn232= (NM_001322015.2); c.583+2034T>C (NM_001322010.2); c.988+2034T>C (NM_001322006.2).
Identifiers: ClinVar variation 388900 (VCV000388900.9), dbSNP rs1057523266, ClinGen allele CA16605248.
Genomic context (GRCh38, chr7:5,989,939, plus strand): 5'-TAAAACTGCCAACAAAAGCTTTTCCTCTTGTAGCAAAATTTGCCTTTTATCTGGAGTAAC[A>G]TTGATATCAACGCATTCTAAGGCAAAAAAGAAAACATATTTATTATGTTTAAATTCACTT-3'
Protein context (NP_000526.2, residues 325-345): ISVDSECVDI[Asn335=]VTPDKRQILL

ClinVar aggregate classification (germline): Likely benign. Review status: criteria provided, multiple submitters, no conflicts (2 of 4 stars). 2 submissions from 2 submitters: Likely benign (2). Last evaluated 2020-05-28.

Conditions:
Hereditary nonpolyposis colorectal neoplasms. Identifiers: MedGen C0009405, MeSH D003123.

Submissions (2):

Labcorp Genetics (formerly Invitae), Labcorp
Classification: Likely benign for Hereditary nonpolyposis colorectal neoplasms. Last evaluated: 2020-05-28. Review status: criteria provided, single submitter. Criteria: Invitae Variant Classification Sherloc (09022015). Collection method: clinical testing. Allele origin: germline.

GeneDx
Classification: Likely benign. Last evaluated: 2016-08-25. Review status: criteria provided, single submitter. Criteria: GeneDx Variant Classification (06012015). Collection method: clinical testing. Allele origin: germline. Affected: yes.
Comment: This variant is considered likely benign or benign based on one or more of the following criteria: it is a conservative change, it occurs at a poorly conserved position in the protein, it is predicted to be benign by multiple in silico algorithms, and/or has population frequency not consistent with disease.